The following is an entry in ClinVar:

NM_006158.5(NEFL):c.556G>T (p.Glu186Ter)

Gene: NEFL (neurofilament light chain; minus strand). Cytogenetic location: 8p21.2.
Variant type: single nucleotide variant.
Coding change: c.556G>T on transcript NM_006158.5 (MANE Select); coding-DNA position 556, G replaced by T.
Protein change: p.Glu186Ter; replaces glutamic acid 186 with a stop codon.
Molecular consequence: nonsense.
Genome position (GRCh38, 1-based): chr8:24,955,960, C>A on the plus strand (G>T on the coding strand, the complement: NEFL is on the minus strand). VCF-style: chr8-24955960-C-A. GRCh37 (hg19) VCF-style: chr8-24813474-C-A.
Other names: c.556G>T (NM_006158.3); short protein forms E186*.
Identifiers: ClinVar variation 3720807 (VCV003720807.3).

ClinVar aggregate classification (germline): Pathogenic/Likely pathogenic. Review status: criteria provided, multiple submitters, no conflicts (2 of 4 stars). 2 submissions from 2 submitters: Pathogenic (1); Likely pathogenic (1). Last evaluated 2025-04-18.

Conditions:
Charcot-Marie-Tooth disease type 2E (CMT2E). Also called: CHARCOT-MARIE-TOOTH DISEASE, AXONAL, TYPE 2E; CHARCOT-MARIE-TOOTH NEUROPATHY, TYPE 2E. Identifiers: Orphanet 99939, MedGen C1843225, MONDO:0011894, OMIM 607684.

Submissions (2):

GeneDx
Classification: Likely pathogenic. Last evaluated: 2025-04-18. Review status: criteria provided, single submitter. Criteria: GeneDx Variant Classification Process June 2021. Collection method: clinical testing. Allele origin: germline. Affected: yes.
Comment: Reported in a proband referred for genetic testing for Charcot-Marie-Tooth disease; however, detailed clinical information was not provided (PMID: 25614874); Nonsense variant predicted to result in protein truncation or nonsense mediated decay in a gene for which loss of function is a known mechanism of disease; Not observed at significant frequency in large population cohorts (gnomAD); This variant is associated with the following publications: (PMID: 25614874)

Labcorp Genetics (formerly Invitae), Labcorp
Classification: Pathogenic for Charcot-Marie-Tooth disease type 2E. Last evaluated: 2024-08-05. Review status: criteria provided, single submitter. Criteria: Invitae Variant Classification Sherloc (09022015). Collection method: clinical testing. Allele origin: germline.
Comment: This sequence change creates a premature translational stop signal (p.Glu186*) in the NEFL gene. It is expected to result in an absent or disrupted protein product. Loss-of-function variants in NEFL are known to be pathogenic (PMID: 19158810, 20039262). This variant is not present in population databases (gnomAD no frequency). This premature translational stop signal has been observed in individual(s) with NEFL-related conditions (PMID: 25614874). For these reasons, this variant has been classified as Pathogenic.

Literature cited by the submitters: PubMed 19158810 (cited by Labcorp Genetics (formerly Invitae), Labcorp); PubMed 20039262 (cited by Labcorp Genetics (formerly Invitae), Labcorp); PubMed 25614874 (cited by Labcorp Genetics (formerly Invitae), Labcorp).